The following is an entry in ClinVar:

NM_182961.4(SYNE1):c.19572+6T>G

Gene: SYNE1 (spectrin repeat containing nuclear envelope protein 1; minus strand). Cytogenetic location: 6q25.2.
Variant type: single nucleotide variant.
Coding change: c.19572+6T>G on transcript NM_182961.4 (MANE Select); 6 bases into the intron after coding-DNA position 19572, T replaced by G.
Molecular consequence: intron variant.
Genome position (GRCh38, 1-based): chr6:152,249,155, A>C on the plus strand (T>G on the coding strand, the complement: SYNE1 is on the minus strand). VCF-style: chr6-152249155-A-C. GRCh37 (hg19) VCF-style: chr6-152570290-A-C.
Other names: c.19359+6T>G (NM_033071.5).
Identifiers: ClinVar variation 3758139 (VCV003758139.2).
Genomic context (GRCh38, chr6:152,249,155, plus strand): 5'-AAATTTCATAGTAAGTCATATCTCCTCTATGCATTTTCTCTTCTAGGAAAAGGCAGCTAT[A>C]AATACCTCTATTTGTTCTGCTACGGGCTGTTCAAACACATTTGCCAGTTTTTGCAGAATG-3'

ClinVar aggregate classification (germline): Uncertain significance (1 of 4 stars; one submission).

Conditions:
Emery-Dreifuss muscular dystrophy 4, autosomal dominant (EDMD4). Also called: EMERY-DREIFUSS MUSCULAR DYSTROPHY 4 WITH VARIABLE FEATURES. Identifiers: Orphanet 261, MedGen C2751807, MONDO:0013071, OMIM 612998.
Autosomal recessive ataxia, Beauce type. Also called: Spinocerebellar ataxia, autosomal recessive 8; ATAXIA, RECESSIVE, OF BEAUCE; SYNE1-Related Autosomal Recessive Cerebellar Ataxia; SYNE1 Deficiency. Identifiers: Orphanet 88644, MedGen C1853116, MONDO:0012549, OMIM 610743.

gnomAD v4.1: 10 of 1,594,956 alleles (0.00063%); highest among the groups gnomAD compares: Non-Finnish European, 0.0006%; no homozygotes.

Submission:

Labcorp Genetics (formerly Invitae), Labcorp
Classification: Uncertain significance for Emery-Dreifuss muscular dystrophy 4, autosomal dominant; Autosomal recessive ataxia, Beauce type. Last evaluated: 2025-07-28. Review status: criteria provided, single submitter. Criteria: Invitae Variant Classification Sherloc (09022015). Collection method: clinical testing. Allele origin: germline.
Comment: This sequence change falls in intron 104 of the SYNE1 gene. It does not directly change the encoded amino acid sequence of the SYNE1 protein. It affects a nucleotide within the consensus splice site. This variant is present in population databases (rs757386541, gnomAD 0.006%). This variant has not been reported in the literature in individuals affected with SYNE1-related conditions. ClinVar contains an entry for this variant (Variation ID: 3758139). Variants that disrupt the consensus splice site are a relatively common cause of aberrant splicing (PMID: 17576681, 9536098). Algorithms developed to predict the effect of sequence changes on RNA splicing suggest that this variant is not likely to affect RNA splicing. In summary, the available evidence is currently insufficient to determine the role of this variant in disease. Therefore, it has been classified as a Variant of Uncertain Significance.

Literature cited by the submitters: PubMed 17576681; PubMed 9536098.